The following is an entry in ClinVar:

NM_000553.6(WRN):c.3685C>T (p.Gln1229Ter)

Gene: WRN (WRN RecQ like helicase; plus strand). Cytogenetic location: 8p12.
Variant type: single nucleotide variant.
Coding change: c.3685C>T on transcript NM_000553.6 (MANE Select); coding-DNA position 3685, C replaced by T.
Protein change: p.Gln1229Ter; replaces glutamine 1229 with a stop codon.
Molecular consequence: nonsense.
Genome position (GRCh38, 1-based): chr8:31,150,453, C>T. VCF-style: chr8-31150453-C-T. GRCh37 (hg19) VCF-style: chr8-31007969-C-T.
Other names: short protein forms Q1229*.
Identifiers: ClinVar variation 2034171 (VCV002034171.4), dbSNP rs2536049949, ClinGen allele CA370928233.

ClinVar aggregate classification (germline): Pathogenic (1 of 4 stars; one submission).

Conditions:
Werner syndrome (WRN). Identifiers: Orphanet 902, MedGen C0043119, MONDO:0010196, OMIM 277700.

Submission:

Labcorp Genetics (formerly Invitae), Labcorp
Classification: Pathogenic for Werner syndrome. Last evaluated: 2022-12-13. Review status: criteria provided, single submitter. Criteria: Invitae Variant Classification Sherloc (09022015). Collection method: clinical testing. Allele origin: germline.
Comment: This sequence change creates a premature translational stop signal (p.Gln1229*) in the WRN gene. It is expected to result in an absent or disrupted protein product. Loss-of-function variants in WRN are known to be pathogenic (PMID: 16673358). For these reasons, this variant has been classified as Pathogenic. Algorithms developed to predict the effect of sequence changes on RNA splicing suggest that this variant may disrupt the consensus splice site. This variant has not been reported in the literature in individuals affected with WRN-related conditions. This variant is not present in population databases (gnomAD no frequency).

Literature cited by the submitters: PubMed 16673358.